The following is an entry in ClinVar:

NM_004606.5(TAF1):c.666G>A (p.Lys222=)

Gene: TAF1 (TATA-box binding protein associated factor 1; plus strand). Cytogenetic location: Xq13.1.
Variant type: single nucleotide variant.
Coding change: c.666G>A on transcript NM_004606.5 (MANE Select); coding-DNA position 666, G replaced by A.
Protein change: p.Lys222=; no amino-acid change (lysine 222 retained).
Molecular consequence: synonymous variant. On other transcripts: non-coding transcript variant (9).
Genome position (GRCh38, 1-based): chrX:71,377,143, G>A. VCF-style: chrX-71377143-G-A. GRCh37 (hg19) VCF-style: chrX-70596993-G-A.
Other names: c.666G>A, p.Lys222= (NM_001286074.2); c.603G>A, p.Lys201= (NM_138923.4).
Identifiers: ClinVar variation 3257136 (VCV003257136.19).

ClinVar aggregate classification (germline): Benign/Likely benign. Review status: criteria provided, multiple submitters, no conflicts (2 of 4 stars). 2 submissions from 2 submitters: Benign (1); Likely benign (1). Last evaluated 2026-01-26.

gnomAD v4.1: 103 of 1,209,755 alleles (0.0085%); highest among the groups gnomAD compares: Non-Finnish European, 0.0042%; no homozygotes.

Submissions (2):

Labcorp Genetics (formerly Invitae), Labcorp
Classification: Benign. Last evaluated: 2026-01-26. Review status: criteria provided, single submitter. Criteria: Invitae Variant Classification Sherloc (09022015). Collection method: clinical testing. Allele origin: germline.

CeGaT Center for Human Genetics Tuebingen
Classification: Likely benign. Last evaluated: 2024-07-01. Review status: criteria provided, single submitter. Criteria: CeGaT Center For Human Genetics Tuebingen Variant Classification Criteria Version 2. Collection method: clinical testing. Allele origin: germline. Affected: yes. Observed: 1 variant allele.
Comment: TAF1: BP4, BP7, BS2